The following is an entry in ClinVar:

ClinVar aggregate classification (germline): Pathogenic (1 of 4 stars; one submission).

Submission:

GeneDx
Classification: Pathogenic. Last evaluated: 2024-01-30. Review status: criteria provided, single submitter. Criteria: GeneDx Variant Classification Process June 2021. Collection method: clinical testing. Allele origin: germline. Affected: yes.
Comment: Canonical splice site variant predicted to result in an in-frame loss of the adjacent exon in a gene for which loss of function is a known mechanism of disease; Not observed at significant frequency in large population cohorts (gnomAD); Has not been previously published as pathogenic or benign to our knowledge

NM_182931.3(KMT2E):c.2196+1G>A

Gene: KMT2E (lysine methyltransferase 2E (inactive); plus strand). Cytogenetic location: 7q22.3.
Variant type: single nucleotide variant.
Coding change: c.2196+1G>A on transcript NM_182931.3 (MANE Select); the canonical splice donor site of the intron after coding-DNA position 2196, G replaced by A.
Molecular consequence: splice donor variant.
Genome position (GRCh38, 1-based): chr7:105,102,195, G>A. VCF-style: chr7-105102195-G-A. GRCh37 (hg19) VCF-style: chr7-104742642-G-A.
Other names: c.2196+1G>A (NM_001410908.1, NM_018682.4).
Identifiers: ClinVar variation 3340724 (VCV003340724.1).
Genomic context (GRCh38, chr7:105,102,195, plus strand): 5'-ACTGAAACTGAAGTTCCAGCACTTAATAAATGTCCTACCAAGTACCCCAAAACAAAGAAG[G>A]TATGATTCTAATGAATGTAAGAACTGTTTTTCTAACAGTTTCTTATATTAATTATATTGT-3'